The following is an entry in ClinVar:

ClinVar aggregate classification (germline): not provided (0 of 4 stars; one submission).

Allele frequency attached by ClinVar (database versions not stated): gnomAD 0.00009 and 0.00013; TOPMed 0.00019; gnomAD exomes 0.00020; 1000 Genomes Project 0.00040; 1000 Genomes Project 30x 0.00047.
gnomAD v4.1: 216 of 1,121,506 alleles (0.019%); highest among the groups gnomAD compares: East Asian, 0.44%; no homozygotes.

Submission:

Human Evolutionary Genetics, Institut Pasteur
No classification provided. Review status: no classification provided. Collection method: not provided. Allele origin: germline.
ClinVar note: Converted during submission from untested to not provided.

NM_033004.4(NLRP1):c.3521-107G>A

Gene: NLRP1 (NLR family pyrin domain containing 1; minus strand). Cytogenetic location: 17p13.2.
Variant type: single nucleotide variant.
Coding change: c.3521-107G>A on transcript NM_033004.4 (MANE Select); 107 bases into the intron before coding-DNA position 3521, G replaced by A.
Molecular consequence: intron variant.
Genome position (GRCh38, 1-based): chr17:5,521,893, C>T on the plus strand (G>A on the coding strand, the complement: NLRP1 is on the minus strand). VCF-style: chr17-5521893-C-T. GRCh37 (hg19) VCF-style: chr17-5425213-C-T.
Other names: c.3533-107G>A (NM_001033053.3); c.3431-107G>A (NM_033007.4, NM_033006.4); c.3521-107G>A (NM_014922.5).
Identifiers: ClinVar variation 103023 (VCV000103023.2), dbSNP rs199476213, ClinGen allele CA018493.